The following is an entry in ClinVar:

NM_015215.4(CAMTA1):c.4371-2A>C

Gene: CAMTA1 (calmodulin binding transcription activator 1; plus strand). Cytogenetic location: 1p36.23.
Variant type: single nucleotide variant.
Coding change: c.4371-2A>C on transcript NM_015215.4 (MANE Select); the canonical splice acceptor site of the intron before coding-DNA position 4371, A replaced by C.
Molecular consequence: splice acceptor variant.
Genome position (GRCh38, 1-based): chr1:7,745,843, A>C. VCF-style: chr1-7745843-A-C. GRCh37 (hg19) VCF-style: chr1-7805903-A-C.
Other names: c.4281-2A>C (NM_001349608.2); c.3942-2A>C (NM_001349612.2); c.1443-2A>C (NM_001349614.1, NM_001349617.1, NM_001349616.2 and 2 more transcripts); c.1104-2A>C (NM_001349620.1, NM_001349621.1, NM_001349625.2 and 5 more transcripts); c.1500-2A>C (NM_001349613.1); c.4032-2A>C (NM_001349609.2, NM_001349610.2, NM_001410737.1); c.3960-2A>C (NM_001410738.1).
Identifiers: ClinVar variation 3383112 (VCV003383112.2).

ClinVar aggregate classification (germline): Likely pathogenic (1 of 4 stars; one submission).

Conditions:
Cerebellar dysfunction with variable cognitive and behavioral abnormalities (CECBA). Also called: Nonprogressive cerebellar atxia with intellectual disability. Identifiers: Orphanet 314647, MedGen C3553661, MONDO:0013886, OMIM 614756.

gnomAD v4.1: 1 of 1,614,032 alleles (0.000062%); highest among the groups gnomAD compares: East Asian, 0.0022%; no homozygotes.

Submission:

Juno Genomics, Hangzhou Juno Genomics, Inc
Classification: Likely pathogenic for Cerebellar dysfunction with variable cognitive and behavioral abnormalities. Review status: criteria provided, single submitter. Criteria: ACMG Guidelines, 2015. Collection method: clinical testing. Allele origin: germline. Affected: yes.
Comment: Null variant in a gene where loss of function (LOF) is a known mechanism of disease.;Absent from controls (or at extremely low frequency if recessive) in Genome Aggregation Database, Exome Sequencing Project, 1000 Genomes Project, or Exome Aggregation Consortium.